The following is an entry in ClinVar:

ClinVar aggregate classification (germline): Pathogenic/Likely pathogenic. Review status: criteria provided, multiple submitters, no conflicts (2 of 4 stars). 2 submissions from 2 submitters: Pathogenic (1); Likely pathogenic (1). Last evaluated 2024-02-24.

Conditions:
RP1-related disorder. Also called: RP1-related condition.

Allele frequency attached by ClinVar (database versions not stated): gnomAD exomes below 0.00001; gnomAD 0.00001; TOPMed 0.00002.
gnomAD v4.1: 7 of 1,612,988 alleles (0.00043%); highest among the groups gnomAD compares: Admixed American, 0.0033%; no homozygotes.

Submissions (2):

Labcorp Genetics (formerly Invitae), Labcorp
Classification: Pathogenic. Last evaluated: 2024-02-24. Review status: criteria provided, single submitter. Criteria: Invitae Variant Classification Sherloc (09022015). Collection method: clinical testing. Allele origin: germline.
Comment: This sequence change creates a premature translational stop signal (p.Glu1940*) in the RP1 gene. While this is not anticipated to result in nonsense mediated decay, it is expected to disrupt the last 217 amino acid(s) of the RP1 protein. This variant is present in population databases (no rsID available, gnomAD 0.003%). This premature translational stop signal has been observed in individual(s) with autosomal recessive retinal disease (Invitae). ClinVar contains an entry for this variant (Variation ID: 968564). This variant disrupts the C-terminus of the RP1 protein. Many variants that disrupt this region have been reported in individuals with either autosomal dominant or autosomal recessive retinitis pigmentosa (PMID: 11527933, 19933189, 29425069, 30027431, 33681214). Therefore, variants that disrupt this region are expected to be disease-causing. For these reasons, this variant has been classified as Pathogenic.

Blueprint Genetics
Classification: Likely pathogenic for RP1-related disorders. Last evaluated: 2021-06-23. Review status: criteria provided, single submitter. Criteria: ACMG Guidelines, 2015. Collection method: clinical testing. Allele origin: germline. Affected: yes. Observed: 1 variant allele.

Literature cited by the submitters: PubMed 11527933 (cited by Labcorp Genetics (formerly Invitae), Labcorp); PubMed 19933189 (cited by Labcorp Genetics (formerly Invitae), Labcorp); PubMed 29425069 (cited by Labcorp Genetics (formerly Invitae), Labcorp); PubMed 30027431 (cited by Labcorp Genetics (formerly Invitae), Labcorp); PubMed 33681214 (cited by Labcorp Genetics (formerly Invitae), Labcorp).

NM_006269.2(RP1):c.5818G>T (p.Glu1940Ter)

Genes: RP1 (RP1 axonemal microtubule associated; plus strand), LOC126860392 (CDK7 strongly-dependent group 2 enhancer GRCh37_chr8:55541319-55542518; plus strand). Cytogenetic location: 8q12.1.
Variant type: single nucleotide variant.
Coding change: c.5818G>T on transcript NM_006269.2 (MANE Select); coding-DNA position 5818, G replaced by T.
Protein change: p.Glu1940Ter; replaces glutamic acid 1940 with a stop codon.
Molecular consequence: nonsense. On other transcripts: intron variant (1).
Genome position (GRCh38, 1-based): chr8:54,629,700, G>T. VCF-style: chr8-54629700-G-T. GRCh37 (hg19) VCF-style: chr8-55542260-G-T.
Other names: c.787+7412G>T (NM_001375654.1); short protein forms E1940*.
Identifiers: ClinVar variation 968564 (VCV000968564.8), dbSNP rs997085898, ClinGen allele CA177184142.